The following is an entry in ClinVar:

NM_003331.5(TYK2):c.3542C>T (p.Pro1181Leu)

Gene: TYK2 (tyrosine kinase 2; minus strand). Cytogenetic location: 19p13.2.
Variant type: single nucleotide variant.
Coding change: c.3542C>T on transcript NM_003331.5 (MANE Select); coding-DNA position 3542, C replaced by T.
Protein change: p.Pro1181Leu; replaces proline 1181 with leucine.
Molecular consequence: missense variant.
Genome position (GRCh38, 1-based): chr19:10,350,856, G>A on the plus strand (C>T on the coding strand, the complement: TYK2 is on the minus strand). VCF-style: chr19-10350856-G-A. GRCh37 (hg19) VCF-style: chr19-10461532-G-A.
Other names: c.3431C>T, p.Pro1144Leu (NM_001385197.1); c.3392C>T, p.Pro1131Leu (NM_001385198.1); c.3356C>T, p.Pro1119Leu (NM_001385199.1); c.3539C>T, p.Pro1180Leu (NM_001385200.1); c.3344C>T, p.Pro1115Leu (NM_001385201.1); c.3458C>T, p.Pro1153Leu (NM_001385202.1); c.3623C>T, p.Pro1208Leu (NM_001385203.1); c.3752C>T, p.Pro1251Leu (NM_001385204.1); and 3 more; short protein forms P1115L, P1153L, P1180L, P1208L, P1139L, P1144L, P1151L, P1251L.
Identifiers: ClinVar variation 1045156 (VCV001045156.6), dbSNP rs1233179704, ClinGen allele CA403979552.

ClinVar aggregate classification (germline): Uncertain significance (1 of 4 stars; one submission).

Conditions:
Immunodeficiency 35 (IMD35). Also called: Susceptibility to infection due to TYK2 deficiency; TYK2 DEFICIENCY; HIES WITH ATYPICAL MYCOBACTERIOSIS, AUTOSOMAL RECESSIVE; HYPER-IgE SYNDROME WITH ATYPICAL MYCOBACTERIOSIS, AUTOSOMAL RECESSIVE. Identifiers: Orphanet 331226, MedGen C1969086, MONDO:0012682, OMIM 611521.

Submission:

Labcorp Genetics (formerly Invitae), Labcorp
Classification: Uncertain significance for Immunodeficiency 35. Last evaluated: 2020-07-30. Review status: criteria provided, single submitter. Criteria: Invitae Variant Classification Sherloc (09022015). Collection method: clinical testing. Allele origin: germline.
Comment: This variant has not been reported in the literature in individuals with TYK2-related conditions. Algorithms developed to predict the effect of missense changes on protein structure and function are either unavailable or do not agree on the potential impact of this missense change (SIFT: "Not Available"; PolyPhen-2: "Possibly Damaging"; Align-GVGD: "Not Available"). In summary, the available evidence is currently insufficient to determine the role of this variant in disease. Therefore, it has been classified as a Variant of Uncertain Significance. This variant is not present in population databases (ExAC no frequency). This sequence change replaces proline with leucine at codon 1181 of the TYK2 protein (p.Pro1181Leu). The proline residue is highly conserved and there is a moderate physicochemical difference between proline and leucine.